The following is an entry in ClinVar:

ClinVar aggregate classification (germline): Conflicting classifications of pathogenicity. Review status: criteria provided, conflicting classifications (1 of 4 stars). 3 submissions from 3 submitters: Likely pathogenic (2); Uncertain significance (1). Last evaluated 2025-08-11.

Conditions:
Gaucher disease-ophthalmoplegia-cardiovascular calcification syndrome. Also called: GAUCHER DISEASE, TYPE IIIC. Identifiers: Orphanet 2072, MedGen C1856476, MONDO:0009268, OMIM 231005.
Gaucher disease type I (GD1). Also called: Type 1 Gaucher Disease; GAUCHER DISEASE, NONCEREBRAL JUVENILE; GBA DEFICIENCY; GD I; GLUCOCEREBROSIDASE DEFICIENCY; GD 1. Identifiers: Orphanet 355, Orphanet 77259, MedGen C1961835, MONDO:0009265, OMIM 230800.
Gaucher disease type II (GD2). Also called: Type 2 Gaucher disease (Acute; Infantile); GAUCHER DISEASE, ACUTE NEURONOPATHIC TYPE; GD II; Acute neuronopathic Gaucher's disease. Identifiers: Orphanet 77260, MedGen C0268250, MONDO:0009266, OMIM 230900.
Gaucher disease type III. Also called: Type 3 Gaucher disease (Subacute; Juvenile); GAUCHER DISEASE, CHRONIC NEURONOPATHIC TYPE; GAUCHER DISEASE, JUVENILE AND ADULT, CEREBRAL; GAUCHER DISEASE, SUBACUTE NEURONOPATHIC TYPE; GD III; Gaucher Disease, Type 3. Identifiers: Orphanet 355, Orphanet 77261, MedGen C0268251, MONDO:0009267, OMIM 231000.
Gaucher disease. Also called: Acute cerebral Gaucher disease; Cerebroside lipidosis syndrome; Gaucher splenomegaly; Sphingolipidosis 1; Glucocerebrosidosis; Glucosylceramidase deficiency. Identifiers: Orphanet 355, MedGen C0017205, MONDO:0018150.

Allele frequency attached by ClinVar (database versions not stated): gnomAD exomes below 0.00001; ExAC 0.00001.
gnomAD v4.1: 1 of 1,613,978 alleles (0.000062%); highest among the groups gnomAD compares: Non-Finnish European, 0.000085%; no homozygotes.

Submissions (3):

Natera, Inc.
Classification: Likely pathogenic for Gaucher disease. Last evaluated: 2025-08-11. Review status: criteria provided, single submitter. Criteria: Natera Variant Classification Schema (03/2026). Collection method: clinical testing. Allele origin: germline.
Comment: The c.913C>G variant in GBA1 is a missense variant predicted to cause substitution of proline to alanine at amino acid 305. This variant is rare in the general population with a frequency below the threshold expected for the associated phenotype(s). This variant has been observed in one or more individuals affected with the associated recessive disease, as either homozygous or compound heterozygous with a second variant (PMID: 34930372, 34649574, 36506070, 33486419). Computational prediction algorithms indicate this variant is likely to affect gene or protein function. Given the available evidence, this variant is classified as Likely Pathogenic.

Revvity Omics, Revvity
Classification: Uncertain significance. Last evaluated: 2021-10-21. Review status: criteria provided, single submitter. Criteria: ACMG Guidelines, 2015. Collection method: clinical testing. Allele origin: germline.

Baylor Genetics
Classification: Likely pathogenic for Gaucher disease type I; Gaucher disease type II; Gaucher disease type III; Gaucher disease-ophthalmoplegia-cardiovascular calcification syndrome. Review status: criteria provided, single submitter. Criteria: ACMG Guidelines, 2015. Collection method: clinical testing. Allele origin: germline.

Literature cited by the submitters: PubMed 34930372 (cited by Natera, Inc.); PubMed 34649574 (cited by Natera, Inc.); PubMed 36506070 (cited by Natera, Inc.); PubMed 33486419 (cited by Natera, Inc.).

NM_000157.4(GBA1):c.913C>G (p.Pro305Ala)

Genes: GBA1 (glucosylceramidase beta 1; minus strand), LOC106627981 (GBA recombination region; plus strand). Cytogenetic location: 1q22.
Variant type: single nucleotide variant.
Coding change: c.913C>G on transcript NM_000157.4 (MANE Select); coding-DNA position 913, C replaced by G.
Protein change: p.Pro305Ala; replaces proline 305 with alanine.
Molecular consequence: missense variant.
Genome position (GRCh38, 1-based): chr1:155,237,427, G>C on the plus strand (C>G on the coding strand, the complement: GBA1 is on the minus strand). VCF-style: chr1-155237427-G-C. GRCh37 (hg19) VCF-style: chr1-155207218-G-C.
Other names: c.913C>G (NM_000157.3); c.913C>G, p.Pro305Ala (NM_001005741.3, NM_001005742.3); c.652C>G, p.Pro218Ala (NM_001171811.2); c.766C>G, p.Pro256Ala (NM_001171812.2); short protein forms P256A, P218A, P305A.
Identifiers: ClinVar variation 813340 (VCV000813340.5), dbSNP rs770796008, ClinGen allele CA1141663.